The following is an entry in ClinVar:

ClinVar aggregate classification (germline): Uncertain significance (1 of 4 stars; one submission).

Submission:

Labcorp Genetics (formerly Invitae), Labcorp
Classification: Uncertain significance. Last evaluated: 2022-02-24. Review status: criteria provided, single submitter. Criteria: Invitae Variant Classification Sherloc (09022015). Collection method: clinical testing. Allele origin: germline.
Comment: In summary, the available evidence is currently insufficient to determine the role of this variant in disease. Therefore, it has been classified as a Variant of Uncertain Significance. Algorithms developed to predict the effect of missense changes on protein structure and function are either unavailable or do not agree on the potential impact of this missense change (SIFT: "Not Available"; PolyPhen-2: "Benign"; Align-GVGD: "Not Available"). This variant has not been reported in the literature in individuals affected with CEP250-related conditions. This variant is not present in population databases (gnomAD no frequency). This sequence change replaces histidine with leucine at codon 1526 of the CEP250 protein (p.His1526Leu). The histidine residue is moderately conserved and there is a moderate physicochemical difference between histidine and leucine.

NM_007186.6(CEP250):c.4577A>T (p.His1526Leu)

Gene: CEP250 (centrosomal protein 250; plus strand). Cytogenetic location: 20q11.22.
Variant type: single nucleotide variant.
Coding change: c.4577A>T on transcript NM_007186.6 (MANE Select); coding-DNA position 4577, A replaced by T.
Protein change: p.His1526Leu; replaces histidine 1526 with leucine.
Molecular consequence: missense variant.
Genome position (GRCh38, 1-based): chr20:35,502,946, A>T. VCF-style: chr20-35502946-A-T. GRCh37 (hg19) VCF-style: chr20-34090774-A-T.
Other names: c.2681A>T, p.His894Leu (NM_001318219.1); short protein forms H1526L, H894L.
Identifiers: ClinVar variation 1476689 (VCV001476689.6), dbSNP rs2147154151, ClinGen allele CA408748710.